The following is an entry in ClinVar:

ClinVar aggregate classification (germline): Pathogenic/Likely pathogenic. Review status: criteria provided, multiple submitters, no conflicts (2 of 4 stars). 4 submissions from 4 submitters: Pathogenic (3); Likely pathogenic (1). Last evaluated 2026-08-03.

Conditions:
Mucolipidosis. Also called: Mucolipidoses. Identifiers: Orphanet 79212, MedGen C0026697, MONDO:0019248.
Mucolipidosis type II. Also called: ML II ALPHA/BETA; Mucolipidosis II Alpha/Beta; Mucolipidosis 2; ML 2; Inclusion cell disease; Leroy Disease. Identifiers: Orphanet 576, MedGen C2673377, MONDO:0009650, OMIM 252500.
Pseudo-Hurler polydystrophy. Also called: ML IIIA; ML III; ML III ALPHA/BETA; Type III Mucolipidosis; MUCOLIPIDOSIS IIIA; Mucolipidosis III Alpha/Beta. Identifiers: Orphanet 423461, Orphanet 577, MedGen C0033788, MONDO:0018931, OMIM 252600.

Submissions (4):

Genelabs Medical  (pvt) Ltd
Classification: Pathogenic for Mucolipidosis type II. Last evaluated: 2026-08-03. Review status: criteria provided, single submitter. Criteria: ACMG Guidelines, 2015. Collection method: clinical testing. Allele origin: germline. Inheritance: Autosomal recessive inheritance. Affected: no. Observed: 1 heterozygote.
Comment: The frameshift variant NM_024312.5(GNPTAB):c.3560_3561delAG (p.Glu1187Valfs*10) introduces a premature termination codon 10 amino acids downstream of the variant site. The variant is located in exon 19 of 21, and the resulting transcript is predicted to undergo nonsense-mediated decay, leading to loss of functional GNPTAB protein. GNPTAB has a definitive gene–disease association with mucolipidosis, and loss of function is the established disease mechanism. Consistent with this mechanism, 367 pathogenic or likely pathogenic loss-of-function variants have been reported in GNPTAB, including 15 pathogenic or likely pathogenic truncating variants downstream of this position, indicating that truncating variants in this region are pathogenic. The variant is extremely rare in population databases, observed in 2/91,066 alleles (allele frequency 0.00002196) in the South Asian population. This variant has been reported in the homozygous state in at least one affected individual (PMID: 30882951). Based on the cumulative evidence, this variant is classified as Pathogenic. (PVS1, PM2_Supporting, PM3_Supporting)

Women's Health and Genetics/Laboratory Corporation of America, LabCorp
Classification: Likely pathogenic for Mucolipidosis. Last evaluated: 2022-03-24. Review status: criteria provided, single submitter. Criteria: LabCorp Variant Classification Summary - May 2015. Collection method: clinical testing. Allele origin: germline.
Comment: Variant summary: GNPTAB c.3560_3561delAG (p.Glu1187ValfsX10) results in a premature termination codon, predicted to cause a truncation of the encoded protein or absence of the protein due to nonsense mediated decay, which are commonly known mechanisms for disease. Truncations downstream of this position have been classified as pathogenic by our laboratory. The variant was absent in 251436 control chromosomes (gnomAD). c.3560_3561delAG has been reported in the literature in individual(s) affected with Mucolipidosis (Velho_2019). To our knowledge, no experimental evidence demonstrating an impact on protein function has been reported. No clinical diagnostic laboratories have submitted clinical-significance assessments for this variant to ClinVar after 2014. Based on the evidence outlined above, the variant was classified as likely pathogenic.

Labcorp Genetics (formerly Invitae), Labcorp
Classification: Pathogenic for Pseudo-Hurler polydystrophy; Mucolipidosis type II. Last evaluated: 2021-03-02. Review status: criteria provided, single submitter. Criteria: Invitae Variant Classification Sherloc (09022015). Collection method: clinical testing. Allele origin: germline.
Comment: For these reasons, this variant has been classified as Pathogenic. This variant has been observed in individual(s) with clinical features of mucolipidosis (PMID: 30882951). The frequency data for this variant in the population databases is considered unreliable, as metrics indicate poor data quality at this position in the ExAC database. This sequence change creates a premature translational stop signal (p.Glu1187Valfs*10) in the GNPTAB gene. It is expected to result in an absent or disrupted protein product. Loss-of-function variants in GNPTAB are known to be pathogenic (PMID: 19617216, 25107912).

Eurofins Ntd Llc (ga)
Classification: Pathogenic. Last evaluated: 2014-06-09. Review status: criteria provided, single submitter. Criteria: EGL Classification Definitions 2015. Collection method: clinical testing. Allele origin: germline. Observed: 1 variant allele, 1 heterozygote.

Literature cited by the submitters: PubMed 30882951 (cited by 3 submitters); PubMed 19617216 (cited by Labcorp Genetics (formerly Invitae), Labcorp); PubMed 25107912 (cited by Labcorp Genetics (formerly Invitae), Labcorp).

NM_024312.5(GNPTAB):c.3560_3561del (p.Glu1187fs)

Gene: GNPTAB (N-acetylglucosamine-1-phosphate transferase subunits alpha and beta; minus strand). Cytogenetic location: 12q23.2.
Variant type: Microsatellite.
Coding change: c.3560_3561del on transcript NM_024312.5 (MANE Select); coding-DNA positions 3560 to 3561, 2 bases deleted (AG; older notation c.3560_3561delAG).
Protein change: p.Glu1187fs; shifts the reading frame from glutamic acid 1187.
Molecular consequence: frameshift variant.
Genome position (GRCh38, 1-based): chr12:101,753,413-101,753,414, CT deleted on the plus strand (AG on the coding strand, the reverse complement: GNPTAB is on the minus strand); deleting any 2 consecutive bases within chr12:101,753,413-101,753,418 gives the same sequence; the c. name uses the placement nearest the transcript's 3' end. VCF-style (leftmost placement, unchanged base first): chr12-101753412-ACT-A. GRCh37 (hg19) VCF-style: chr12-102147190-ACT-A.
Other names: c.3560_3561delAG (NM_024312.5); short protein forms E1187fs.
Identifiers: ClinVar variation 194986 (VCV000194986.15), dbSNP rs781689303, ClinGen allele CA275054.
Genomic context (GRCh38, chr12:101,753,412, plus strand): 5'-TATAAAACATGAGAATTTACCATTCCTGCAGCTCATGCATATGAAGGAAACGGTTTCGAT[ACT>A]CTCTTGGCAGTTCAAATTGGGAAGGTATGGGGAACATGGATTCATAGAAGTCCCTGAGAA-3'